The following is an entry in ClinVar:

ClinVar aggregate classification (germline): Uncertain significance. Review status: criteria provided, multiple submitters, no conflicts (2 of 4 stars). 2 submissions from 2 submitters: Uncertain significance (2). Last evaluated 2024-06-05.

Conditions:
Hereditary cancer-predisposing syndrome. Also called: Hereditary Cancer Syndrome; Neoplastic Syndromes, Hereditary; Tumor predisposition; Hereditary neoplastic syndrome. Identifiers: Orphanet 140162, MedGen C0027672, MeSH D009386, MONDO:0015356.
Familial adenomatous polyposis 1 (FAP1). Also called: FAMILIAL ADENOMATOUS POLYPOSIS 1, ATTENUATED; POLYPOSIS, ADENOMATOUS INTESTINAL. Identifiers: MedGen C2713442, MONDO:0021056, OMIM 175100. Disease mechanism: loss of function.

gnomAD v4.1: 1 of 1,614,044 alleles (0.000062%); highest among the groups gnomAD compares: South Asian, 0.0011%; no homozygotes.

Submissions (2):

Labcorp Genetics (formerly Invitae), Labcorp
Classification: Uncertain significance for Familial adenomatous polyposis 1. Last evaluated: 2024-06-05. Review status: criteria provided, single submitter. Criteria: Invitae Variant Classification Sherloc (09022015). Collection method: clinical testing. Allele origin: germline.
Comment: This sequence change replaces proline, which is neutral and non-polar, with arginine, which is basic and polar, at codon 1634 of the APC protein (p.Pro1634Arg). This variant is present in population databases (rs370433763, gnomAD 0.003%). This variant has not been reported in the literature in individuals affected with APC-related conditions. ClinVar contains an entry for this variant (Variation ID: 1743993). Advanced modeling of protein sequence and biophysical properties (such as structural, functional, and spatial information, amino acid conservation, physicochemical variation, residue mobility, and thermodynamic stability) performed at Invitae indicates that this missense variant is not expected to disrupt APC protein function with a negative predictive value of 95%. In summary, the available evidence is currently insufficient to determine the role of this variant in disease. Therefore, it has been classified as a Variant of Uncertain Significance.

Ambry Genetics
Classification: Uncertain significance for Hereditary cancer-predisposing syndrome. Last evaluated: 2021-09-04. Review status: criteria provided, single submitter. Criteria: Ambry Variant Classification Scheme 2023. Collection method: clinical testing. Allele origin: germline.
Comment: The p.P1634R variant (also known as c.4901C>G), located in coding exon 15 of the APC gene, results from a C to G substitution at nucleotide position 4901. The proline at codon 1634 is replaced by arginine, an amino acid with dissimilar properties. This amino acid position is well conserved in available vertebrate species. In addition, in silico predictors for this gene do not accurately predict pathogenicity. Since supporting evidence is limited at this time, the clinical significance of this alteration remains unclear.

NM_000038.6(APC):c.4901C>G (p.Pro1634Arg)

Gene: APC (APC regulator of Wnt signaling pathway; plus strand). Cytogenetic location: 5q22.2.
Variant type: single nucleotide variant.
Coding change: c.4901C>G on transcript NM_000038.6 (MANE Select); coding-DNA position 4901, C replaced by G.
Protein change: p.Pro1634Arg; replaces proline 1634 with arginine.
Molecular consequence: missense variant.
Genome position (GRCh38, 1-based): chr5:112,840,495, C>G. VCF-style: chr5-112840495-C-G. GRCh37 (hg19) VCF-style: chr5-112176192-C-G.
Other names: c.4931C>G, p.Pro1644Arg (NM_001354897.2); c.4826C>G, p.Pro1609Arg (NM_001354898.2); c.4778C>G, p.Pro1593Arg (NM_001354900.2); c.4724C>G, p.Pro1575Arg (NM_001354901.2, NM_001407453.1); c.4817C>G, p.Pro1606Arg (NM_001354899.2); c.4955C>G, p.Pro1652Arg (NM_001354896.2, NM_001407447.1, NM_001407448.1 and 1 more transcripts); c.4901C>G, p.Pro1634Arg (NM_001127510.3, NM_001354895.2, NM_001407450.1); c.4847C>G, p.Pro1616Arg (NM_001127511.3); and 11 more; short protein forms P1351R, P1474R, P1609R, P1662R, P1250R, P1505R, P1508R, P1543R.
Identifiers: ClinVar variation 1743993 (VCV001743993.7), dbSNP rs370433763, ClinGen allele CA040125.